The following is an entry in ClinVar:

NC_000023.10:g.(?_22231001)_(22231095_?)del

Gene: PHEX (phosphate regulating endopeptidase X-linked; plus strand). Cytogenetic location: Xp22.11.
Variant type: Deletion.
Identifiers: ClinVar variation 1382990 (VCV001382990.4).

ClinVar aggregate classification (germline): Pathogenic (1 of 4 stars; one submission).

Submission:

Labcorp Genetics (formerly Invitae), Labcorp
Classification: Pathogenic. Last evaluated: 2021-11-30. Review status: criteria provided, single submitter. Criteria: Invitae Variant Classification Sherloc (09022015). Collection method: clinical testing. Allele origin: germline.
Comment: For these reasons, this variant has been classified as Pathogenic. A similar copy number variant has been observed in individual(s) with hypophosphatemic rickets (PMID: 22101457, 29460029). This variant is a gross deletion of the genomic region encompassing exon(s) 16 of the PHEX gene. This deletion is out-of-frame, and is expected to create a premature termination codon and result in an absent or disrupted protein product. Loss-of-function variants in PHEX are known to be pathogenic (PMID: 9097956, 9106524, 19219621).

Literature cited by the submitters: PubMed 22101457; PubMed 29460029; PubMed 9097956; PubMed 9106524; PubMed 19219621.